The following is an entry in ClinVar:

ClinVar aggregate classification (germline): Uncertain significance (1 of 4 stars; one submission).

Conditions:
Inborn genetic diseases. Identifiers: MedGen C0950123, MeSH D030342.

Submission:

Ambry Genetics
Classification: Uncertain significance for Inborn genetic diseases. Last evaluated: 2023-02-28. Review status: criteria provided, single submitter. Criteria: Ambry Variant Classification Scheme 2023. Collection method: clinical testing. Allele origin: germline.
Comment: The c.2012C>T (p.A671V) alteration is located in exon 21 (coding exon 21) of the RPS6KA3 gene. This alteration results from a C to T substitution at nucleotide position 2012, causing the alanine (A) at amino acid position 671 to be replaced by a valine (V). This variant was not reported in population-based cohorts in the Genome Aggregation Database (gnomAD). This amino acid position is well conserved in available vertebrate species. This missense alteration is located in a region that has a low rate of benign missense variation (Lek, 2016; Firth, 2009). This alteration is predicted to be tolerated by in silico analysis. Based on insufficient or conflicting evidence, the clinical significance of this alteration remains unclear.

NM_004586.3(RPS6KA3):c.2012C>T (p.Ala671Val)

Gene: RPS6KA3 (ribosomal protein S6 kinase A3; minus strand). Cytogenetic location: Xp22.12.
Variant type: single nucleotide variant.
Coding change: c.2012C>T on transcript NM_004586.3 (MANE Select); coding-DNA position 2012, C replaced by T.
Protein change: p.Ala671Val; replaces alanine 671 with valine.
Molecular consequence: missense variant.
Genome position (GRCh38, 1-based): chrX:20,156,197, G>A on the plus strand (C>T on the coding strand, the complement: RPS6KA3 is on the minus strand). VCF-style: chrX-20156197-G-A. GRCh37 (hg19) VCF-style: chrX-20174315-G-A.
Other names: short protein forms A671V.
Identifiers: ClinVar variation 2479037 (VCV002479037.2), dbSNP rs2148624146, ClinGen allele CA412512649.